The following is an entry in ClinVar:

ClinVar aggregate classification (germline): Uncertain significance (1 of 4 stars; one submission).

Conditions:
Ehlers-Danlos syndrome, type 4 (EDSVASC). Also called: Ehlers-Danlos syndrome vascular type; Ehlers Danlos syndrome, ecchymotic type; Ehlers Danlos syndrome, arterial type; Ehlers Danlos syndrome, Sack-Barabas type; Ehlers-Danlos Syndrome Type IV. Identifiers: Orphanet 286, MedGen C0268338, MONDO:0017314, OMIM 130050.

Submission:

Labcorp Genetics (formerly Invitae), Labcorp
Classification: Uncertain significance for Ehlers-Danlos syndrome, type 4. Last evaluated: 2023-08-14. Review status: criteria provided, single submitter. Criteria: Invitae Variant Classification Sherloc (09022015). Collection method: clinical testing. Allele origin: germline.
Comment: This variant, c.2647_2655dup, results in the insertion of 3 amino acid(s) of the COL3A1 protein (p.Pro883_Gly885dup), but otherwise preserves the integrity of the reading frame. This variant is not present in population databases (gnomAD no frequency). This variant has not been reported in the literature in individuals affected with COL3A1-related conditions. Experimental studies and prediction algorithms are not available or were not evaluated, and the functional significance of this variant is currently unknown. In summary, the available evidence is currently insufficient to determine the role of this variant in disease. Therefore, it has been classified as a Variant of Uncertain Significance.

NM_000090.4(COL3A1):c.2647_2655dup (p.Gly885_Ser886insProProGly)

Gene: COL3A1 (collagen type III alpha 1 chain; plus strand). Cytogenetic location: 2q32.2.
Variant type: Duplication.
Coding change: c.2647_2655dup on transcript NM_000090.4 (MANE Select); coding-DNA positions 2647 to 2655, 9 bases duplicated (CCTCCTGGT; older notation c.2647_2655dupCCTCCTGGT).
Protein change: p.Gly885_Ser886insProProGly.
Molecular consequence: inframe insertion.
Genome position (GRCh38, 1-based): chr2:189,003,773-189,003,781, CCTCCTGGT duplicated; duplicating any 9 consecutive bases within chr2:189,003,766-189,003,781 gives the same sequence; the c. name uses the placement nearest the transcript's 3' end. VCF-style (leftmost placement, unchanged base first): chr2-189003765-T-TTCCTGGTCC. GRCh37 (hg19) VCF-style: chr2-189868491-T-TTCCTGGTCC.
Identifiers: ClinVar variation 2901370 (VCV002901370.3), dbSNP rs2469152784, ClinGen allele CA2739277972.
Genomic context (GRCh38, chr2:189,003,765, plus strand): 5'-AAATTCAAAAATATATTACCATTTCACAGGGTGCTGCTGGCTTCCCTGGTGCTCGTGGTC[T>TTCCTGGTCC]TCCTGGTCCTCCTGGTAGTAATGTAAGTAATTGTTAAAGTCTTTTCTCATCATACACTTC-3'